The following is an entry in ClinVar:

ClinVar aggregate classification (germline): Uncertain significance. Review status: criteria provided, multiple submitters, no conflicts (2 of 4 stars). 2 submissions from 2 submitters: Uncertain significance (2). Last evaluated 2024-04-25.

Conditions:
Hypogonadotropic hypogonadism 5 with or without anosmia (KAL5). Also called: HYPOGONADOTROPIC HYPOGONADISM 5 WITH ANOSMIA; HYPOGONADOTROPHIC HYPOGONADISM 5 WITHOUT ANOSMIA; CHD7-Related GnRH Deficiency (Kallmann Syndrome 5). Identifiers: Orphanet 478, MedGen C3552553, MONDO:0012880, OMIM 612370. Disease mechanism: loss of function.
CHARGE syndrome (CHARGE). Also called: Hittner Hirsch Kreh syndrome; Coloboma, heart anomaly, choanal atresia, retardation, genital and ear anomalies; CHARGE association; Hall-Hittner syndrome; CHARGE ASSOCIATION--COLOBOMA, HEART ANOMALY, CHOANAL ATRESIA, RETARDATION, GENITAL AND EAR ANOMALIES. Identifiers: Orphanet 138, MedGen C0265354, MONDO:0008965.

Allele frequency attached by ClinVar (database versions not stated): gnomAD exomes 0.00001; TOPMed 0.00003; gnomAD 0.00005.
gnomAD v4.1: 14 of 1,612,414 alleles (0.00087%); highest among the groups gnomAD compares: South Asian, 0.0022%; no homozygotes.

Submissions (2):

Labcorp Genetics (formerly Invitae), Labcorp
Classification: Uncertain significance for CHARGE syndrome. Last evaluated: 2024-04-25. Review status: criteria provided, single submitter. Criteria: Invitae Variant Classification Sherloc (09022015). Collection method: clinical testing. Allele origin: germline.
Comment: This sequence change falls in intron 12 of the CHD7 gene. It does not directly change the encoded amino acid sequence of the CHD7 protein. It affects a nucleotide within the consensus splice site. This variant is present in population databases (no rsID available, gnomAD 0.01%). This variant has not been reported in the literature in individuals affected with CHD7-related conditions. ClinVar contains an entry for this variant (Variation ID: 1022057). Variants that disrupt the consensus splice site are a relatively common cause of aberrant splicing (PMID: 17576681, 9536098). Algorithms developed to predict the effect of sequence changes on RNA splicing suggest that this variant is not likely to affect RNA splicing. This variant disrupts the c.3202-3T nucleotide in the CHD7 gene. Other variant(s) that disrupt this nucleotide have been determined to be pathogenic (PMID: 22033296; Invitae). This suggests that this nucleotide is clinically significant, and that variants that disrupt this position are likely to be disease-causing. In summary, the available evidence is currently insufficient to determine the role of this variant in disease. Therefore, it has been classified as a Variant of Uncertain Significance.

Fulgent Genetics
Classification: Uncertain significance for CHD7-related CHARGE syndrome; Hypogonadotropic hypogonadism 5 with or without anosmia. Last evaluated: 2024-02-10. Review status: criteria provided, single submitter. Criteria: ACMG Guidelines, 2015. Collection method: clinical testing. Allele origin: germline.

Literature cited by the submitters: PubMed 17576681 (cited by Labcorp Genetics (formerly Invitae), Labcorp); PubMed 9536098 (cited by Labcorp Genetics (formerly Invitae), Labcorp); PubMed 22033296 (cited by Labcorp Genetics (formerly Invitae), Labcorp).

NM_017780.4(CHD7):c.3202-3T>C

Gene: CHD7 (chromodomain helicase DNA binding protein 7; plus strand). Cytogenetic location: 8q12.2.
Variant type: single nucleotide variant.
Coding change: c.3202-3T>C on transcript NM_017780.4 (MANE Select); 3 bases into the intron before coding-DNA position 3202, T replaced by C.
Molecular consequence: intron variant.
Genome position (GRCh38, 1-based): chr8:60,823,837, T>C. VCF-style: chr8-60823837-T-C. GRCh37 (hg19) VCF-style: chr8-61736396-T-C.
Other names: c.1717-38392T>C (NM_001316690.1).
Identifiers: ClinVar variation 1022057 (VCV001022057.12), dbSNP rs1060503183, ClinGen allele CA581977834.